The following is an entry in ClinVar:

NM_024642.5(GALNT12):c.1493A>C (p.Tyr498Ser)

Gene: GALNT12 (polypeptide N-acetylgalactosaminyltransferase 12; plus strand). Cytogenetic location: 9q22.33.
Variant type: single nucleotide variant.
Coding change: c.1493A>C on transcript NM_024642.5 (MANE Select); coding-DNA position 1493, A replaced by C.
Protein change: p.Tyr498Ser; replaces tyrosine 498 with serine.
Molecular consequence: missense variant.
Genome position (GRCh38, 1-based): chr9:98,846,011, A>C. VCF-style: chr9-98846011-A-C. GRCh37 (hg19) VCF-style: chr9-101608293-A-C.
Other names: short protein forms Y498S.
Identifiers: ClinVar variation 3227923 (VCV003227923.1), dbSNP rs955510774, ClinGen allele CA374221659.

ClinVar aggregate classification (germline): Uncertain significance (1 of 4 stars; one submission).

Submission:

Ambry Genetics
Classification: Uncertain significance. Last evaluated: 2024-02-25. Review status: criteria provided, single submitter. Criteria: Ambry Variant Classification Scheme 2023. Collection method: clinical testing. Allele origin: germline.
Comment: The p.Y498S variant (also known as c.1493A>C), located in coding exon 9 of the GALNT12 gene, results from an A to C substitution at nucleotide position 1493. The tyrosine at codon 498 is replaced by serine, an amino acid with dissimilar properties. This amino acid position is conserved. In addition, the in silico prediction for this alteration is inconclusive. Based on the available evidence, the clinical significance of this alteration remains unclear.